The following is an entry in ClinVar:

ClinVar aggregate classification (germline): Pathogenic (1 of 4 stars; one submission).

Conditions:
Hereditary cancer-predisposing syndrome. Also called: Neoplastic Syndromes, Hereditary; Tumor predisposition; Hereditary Cancer Syndrome; Hereditary neoplastic syndrome. Identifiers: Orphanet 140162, MedGen C0027672, MeSH D009386, MONDO:0015356.

Submission:

Ambry Genetics
Classification: Pathogenic for Hereditary cancer-predisposing syndrome. Last evaluated: 2018-10-29. Review status: criteria provided, single submitter. Criteria: Ambry Variant Classification Scheme 2023. Collection method: clinical testing. Allele origin: germline.
Comment: The c.3600delT pathogenic mutation (also known as p.C1200*), located in coding exon 10 of the BRCA2 gene, results from a deletion of one nucleotide at nucleotide position 3600. This changes the amino acid from a cysteine to a stop codon within coding exon 10. This alteration is expected to result in loss of function by premature protein truncation or nonsense-mediated mRNA decay. As such, this alteration is interpreted as a disease-causing mutation.

NM_000059.4(BRCA2):c.3600del (p.Asp1199_Cys1200insTer)

Gene: BRCA2 (BRCA2 DNA repair associated; plus strand). Cytogenetic location: 13q13.1.
Variant type: Deletion.
Coding change: c.3600del on transcript NM_000059.4 (MANE Select); coding-DNA position 3600, one base deleted (T; older notation c.3600delT).
Protein change: p.Asp1199_Cys1200insTer.
Molecular consequence: nonsense. On other transcripts: frameshift variant (2).
Genome position (GRCh38, 1-based): chr13:32,337,955, T deleted. VCF-style (leftmost placement, unchanged base first): chr13-32337954-GT-G. GRCh37 (hg19) VCF-style: chr13-32912091-GT-G.
Other names: c.3600delT, p.Cys1200Terfs (NM_001406719.1, NM_001406720.1).
Identifiers: ClinVar variation 1733097 (VCV001733097.2), dbSNP rs2548526323, ClinGen allele CA2580087102.